The following is an entry in ClinVar:

ClinVar aggregate classification (germline): Uncertain significance (1 of 4 stars; one submission).

Allele frequency attached by ClinVar (database versions not stated): gnomAD exomes 0.00001; TOPMed 0.00001.
gnomAD v4.1: 14 of 1,612,682 alleles (0.00087%); highest among the groups gnomAD compares: East Asian, 0.0045%; no homozygotes.

Submission:

Labcorp Genetics (formerly Invitae), Labcorp
Classification: Uncertain significance. Last evaluated: 2021-09-17. Review status: criteria provided, single submitter. Criteria: Invitae Variant Classification Sherloc (09022015). Collection method: clinical testing. Allele origin: germline.
Comment: This sequence change replaces serine with proline at codon 324 of the TRAF3IP1 protein (p.Ser324Pro). The serine residue is weakly conserved and there is a moderate physicochemical difference between serine and proline. This variant is not present in population databases (ExAC no frequency). This variant has not been reported in the literature in individuals affected with TRAF3IP1-related conditions. Algorithms developed to predict the effect of missense changes on protein structure and function output the following: SIFT: "Tolerated"; PolyPhen-2: "Benign"; Align-GVGD: "Class C0". The proline amino acid residue is found in multiple mammalian species, which suggests that this missense change does not adversely affect protein function. In summary, the available evidence is currently insufficient to determine the role of this variant in disease. Therefore, it has been classified as a Variant of Uncertain Significance.

NM_015650.4(TRAF3IP1):c.970T>C (p.Ser324Pro)

Gene: TRAF3IP1 (TRAF3 interacting protein 1; plus strand). Cytogenetic location: 2q37.3.
Variant type: single nucleotide variant.
Coding change: c.970T>C on transcript NM_015650.4 (MANE Select); coding-DNA position 970, T replaced by C.
Protein change: p.Ser324Pro; replaces serine 324 with proline.
Molecular consequence: missense variant.
Genome position (GRCh38, 1-based): chr2:238,332,878, T>C. VCF-style: chr2-238332878-T-C. GRCh37 (hg19) VCF-style: chr2-239241519-T-C.
Other names: c.970T>C, p.Ser324Pro (NM_001139490.1); short protein forms S324P.
Identifiers: ClinVar variation 1402518 (VCV001402518.5), dbSNP rs1039239605, ClinGen allele CA67983310.
Genomic context (GRCh38, chr2:238,332,878, plus strand): 5'-TAATAGTCAGCAAGCTCAGGGGAGATGTCTAAAAAGTTATCAGATGGAACTTTTAAAGAC[T>C]CCAAGGCTGAAACAGAGGTAAACTTTAAAAAATAACTTTTAAGAGATGTCAACTTGTAGC-3'
Protein context (NP_056465.2, residues 314-334): KKLSDGTFKD[Ser324Pro]KAETETEIST